The following is an entry in ClinVar:

ClinVar aggregate classification (germline): Uncertain significance. Review status: criteria provided, multiple submitters, no conflicts (2 of 4 stars). 2 submissions from 2 submitters: Uncertain significance (2). Last evaluated 2019-04-14.

Conditions:
Hereditary cancer-predisposing syndrome. Also called: Tumor predisposition; Neoplastic Syndromes, Hereditary; Hereditary neoplastic syndrome; Hereditary Cancer Syndrome. Identifiers: Orphanet 140162, MedGen C0027672, MeSH D009386, MONDO:0015356.

Submissions (2):

Color Diagnostics, LLC DBA Color Health
Classification: Uncertain significance for Hereditary cancer-predisposing syndrome. Last evaluated: 2019-04-14. Review status: criteria provided, single submitter. Criteria: ACMG Guidelines, 2015. Collection method: clinical testing. Allele origin: germline.

Ambry Genetics
Classification: Uncertain significance for Hereditary cancer-predisposing syndrome. Last evaluated: 2018-06-08. Review status: criteria provided, single submitter. Criteria: Ambry Variant Classification Scheme 2023. Collection method: clinical testing. Allele origin: germline.
Comment: The p.I2822T variant (also known as c.8465T>C), located in coding exon 18 of the BRCA2 gene, results from a T to C substitution at nucleotide position 8465. The isoleucine at codon 2822 is replaced by threonine, an amino acid with similar properties. This amino acid position is poorly conserved in available vertebrate species. In addition, the in silico prediction for this alteration is inconclusive. Since supporting evidence is limited at this time, the clinical significance of this alteration remains unclear.

NM_000059.4(BRCA2):c.8465T>C (p.Ile2822Thr)

Gene: BRCA2 (BRCA2 DNA repair associated; plus strand). Cytogenetic location: 13q13.1.
Variant type: single nucleotide variant.
Coding change: c.8465T>C on transcript NM_000059.4 (MANE Select); coding-DNA position 8465, T replaced by C.
Protein change: p.Ile2822Thr; replaces isoleucine 2822 with threonine.
Molecular consequence: missense variant.
Genome position (GRCh38, 1-based): chr13:32,370,535, T>C. VCF-style: chr13-32370535-T-C. GRCh37 (hg19) VCF-style: chr13-32944672-T-C.
Other names: short protein forms I2822T.
Identifiers: ClinVar variation 631201 (VCV000631201.7), dbSNP rs1566248924, ClinGen allele CA387752609.
Genomic context (GRCh38, chr13:32,370,535, plus strand): 5'-CTCTGCCCTTATCATCGCTTTTCAGTGATGGAGGAAATGTTGGTTGTGTTGATGTAATTA[T>C]TCAAAGAGCATACCCTATACAGGTATGATGTATTCTTGAAACTTACCATATATTTCTTTC-3'
Protein context (NP_000050.3, residues 2812-2832): GGNVGCVDVI[Ile2822Thr]QRAYPIQWME